The following is an entry in ClinVar:

ClinVar aggregate classification (germline): Uncertain significance (1 of 4 stars; one submission).

Conditions:
Neuronal ceroid lipofuscinosis. Also called: Neuronal Ceroid Lipofuscinoses. Identifiers: Orphanet 216, Orphanet 79263, MedGen C0027877, MONDO:0016295. Disease mechanism: loss of function.

Allele frequency attached by ClinVar (database versions not stated): gnomAD 0.00001.

Submission:

Labcorp Genetics (formerly Invitae), Labcorp
Classification: Uncertain significance for Neuronal ceroid lipofuscinosis. Last evaluated: 2024-05-06. Review status: criteria provided, single submitter. Criteria: Invitae Variant Classification Sherloc (09022015). Collection method: clinical testing. Allele origin: germline.
Comment: This sequence change replaces lysine, which is basic and polar, with glutamic acid, which is acidic and polar, at codon 66 of the CLN3 protein (p.Lys66Glu). This variant is not present in population databases (gnomAD no frequency). This variant has not been reported in the literature in individuals affected with CLN3-related conditions. ClinVar contains an entry for this variant (Variation ID: 1016622). Advanced modeling of protein sequence and biophysical properties (such as structural, functional, and spatial information, amino acid conservation, physicochemical variation, residue mobility, and thermodynamic stability) performed at Invitae indicates that this missense variant is not expected to disrupt CLN3 protein function with a negative predictive value of 80%. In summary, the available evidence is currently insufficient to determine the role of this variant in disease. Therefore, it has been classified as a Variant of Uncertain Significance.

NM_001042432.2(CLN3):c.196A>G (p.Lys66Glu)

Gene: CLN3 (CLN3 lysosomal/endosomal transmembrane protein, battenin; minus strand). Cytogenetic location: 16p12.1.
Variant type: single nucleotide variant.
Coding change: c.196A>G on transcript NM_001042432.2 (MANE Select); coding-DNA position 196, A replaced by G.
Protein change: p.Lys66Glu; replaces lysine 66 with glutamic acid.
Molecular consequence: missense variant. On other transcripts: 5 prime UTR variant (1).
Genome position (GRCh38, 1-based): chr16:28,489,316, T>C on the plus strand (A>G on the coding strand, the complement: CLN3 is on the minus strand). VCF-style: chr16-28489316-T-C. GRCh37 (hg19) VCF-style: chr16-28500637-T-C.
Other names: c.196A>G, p.Lys66Glu (NM_000086.2, NM_001286104.2); c.-25A>G (NM_001286105.2); c.34A>G, p.Lys12Glu (NM_001286109.2, NM_001286110.2); short protein forms K12E, K66E.
Identifiers: ClinVar variation 1016622 (VCV001016622.7), dbSNP rs963189449, ClinGen allele CA279786566.